The following is an entry in ClinVar:

NM_152419.3(HGSNAT):c.98C>T (p.Ala33Val)

Genes: HGSNAT (heparan-alpha-glucosaminide N-acetyltransferase; plus strand), LOC130000316 (ATAC-STARR-seq lymphoblastoid silent region 19164; plus strand). Cytogenetic location: 8p11.21.
Variant type: single nucleotide variant.
Coding change: c.98C>T on transcript NM_152419.3 (MANE Select); coding-DNA position 98, C replaced by T.
Protein change: p.Ala33Val; replaces alanine 33 with valine.
Molecular consequence: missense variant. On other transcripts: 5 prime UTR variant (1).
Genome position (GRCh38, 1-based): chr8:43,140,594, C>T. VCF-style: chr8-43140594-C-T. GRCh37 (hg19) VCF-style: chr8-42995737-C-T.
Other names: c.98C>T, p.Ala33Val (NM_001363227.2, NM_001363228.2); c.-736C>T (NM_001363229.2); short protein forms A33V.
Identifiers: ClinVar variation 1046706 (VCV001046706.5), dbSNP rs1802483575, ClinGen allele CA371124676.

ClinVar aggregate classification (germline): Uncertain significance (1 of 4 stars; one submission).

Conditions:
Mucopolysaccharidosis, MPS-III-C (MPS3C). Also called: MPS IIIC (Sanfilippo Syndrome Type C); MUCOPOLYSACCHARIDOSIS, TYPE IIIC; Mucopolysaccharidosis type IIIC (Sanfilippo C); mucopolysaccharidosis type 3C; SANFILIPPO SYNDROME C; MPS III C. Identifiers: Orphanet 581, Orphanet 79271, MedGen C0086649, MONDO:0009657, OMIM 252930.
Retinitis pigmentosa 73 (RP73). Identifiers: Orphanet 791, MedGen C4225287, MONDO:0014687, OMIM 616544.

gnomAD v4.1: 1 of 1,235,968 alleles (0.000081%); highest among the groups gnomAD compares: Non-Finnish European, 0.0001%; no homozygotes.

Submission:

Labcorp Genetics (formerly Invitae), Labcorp
Classification: Uncertain significance for Retinitis pigmentosa 73; Mucopolysaccharidosis, MPS-III-C. Last evaluated: 2022-07-12. Review status: criteria provided, single submitter. Criteria: Invitae Variant Classification Sherloc (09022015). Collection method: clinical testing. Allele origin: germline.
Comment: This sequence change replaces alanine, which is neutral and non-polar, with valine, which is neutral and non-polar, at codon 33 of the HGSNAT protein (p.Ala33Val). This variant is not present in population databases (gnomAD no frequency). This variant has not been reported in the literature in individuals affected with HGSNAT-related conditions. ClinVar contains an entry for this variant (Variation ID: 1046706). Advanced modeling of protein sequence and biophysical properties (such as structural, functional, and spatial information, amino acid conservation, physicochemical variation, residue mobility, and thermodynamic stability) performed at Invitae indicates that this missense variant is not expected to disrupt HGSNAT protein function. In summary, the available evidence is currently insufficient to determine the role of this variant in disease. Therefore, it has been classified as a Variant of Uncertain Significance.